The following is an entry in ClinVar:

ClinVar aggregate classification (germline): Likely benign (1 of 4 stars; one submission).

Conditions:
EP300-related disorder. Also called: EP300-related condition; EP300-related disorders.

Submission:

PreventionGenetics, part of Exact Sciences
Classification: Likely benign for EP300-related condition. Last evaluated: 2025-04-16. Review status: criteria provided, single submitter. Criteria: ACMG Guidelines, 2015. Collection method: clinical testing. Allele origin: germline.
Comment: This variant is classified as likely benign based on ACMG/AMP sequence variant interpretation guidelines (Richards et al. 2015 PMID: 25741868, with internal and published modifications).

NM_001429.4(EP300):c.2997+6_2997+7del

Genes: EP300 (EP300 lysine acetyltransferase; plus strand), LOC126863158 (BRD4-independent group 4 enhancer GRCh37_chr22:41547383-41548582; plus strand). Cytogenetic location: 22q13.2.
Variant type: Microsatellite.
Coding change: c.2997+6_2997+7del on transcript NM_001429.4 (MANE Select); bases 6 to 7 of the intron after coding-DNA position 2997, 2 bases deleted (AG; older notation c.2997+6_2997+7delAG).
Molecular consequence: intron variant.
Genome position (GRCh38, 1-based): chr22:41,152,018-41,152,019, AG deleted; deleting any 2 consecutive bases within chr22:41,152,015-41,152,019 gives the same sequence; the c. name uses the placement nearest the transcript's 3' end. VCF-style (leftmost placement, unchanged base first): chr22-41152014-TGA-T. GRCh37 (hg19) VCF-style: chr22-41548018-TGA-T.
Other names: c.2919+6_2919+7del (NM_001362843.2).
Identifiers: ClinVar variation 4981709 (VCV004981709.1).
Genomic context (GRCh38, chr22:41,152,014, plus strand): 5'-CCAAAATGGAAGTGGATCAACCAGAACCAGCAGATACTCAGCCGGAGGATATTTCAGAGG[TGA>T]GAGTAGGGCAATTACTGTTTGATTTGGTTAGGACCTCAGTATAGGAACCCAAGTTTTAAA-3'